The following is an entry in ClinVar:

NM_001379081.2(FREM1):c.982C>G (p.Pro328Ala)

Gene: FREM1 (FRAS1 related extracellular matrix 1; minus strand). Cytogenetic location: 9p22.3.
Variant type: single nucleotide variant.
Coding change: c.982C>G on transcript NM_001379081.2 (MANE Select); coding-DNA position 982, C replaced by G.
Protein change: p.Pro328Ala; replaces proline 328 with alanine.
Molecular consequence: missense variant. On other transcripts: non-coding transcript variant (4).
Genome position (GRCh38, 1-based): chr9:14,851,454, G>C on the plus strand (C>G on the coding strand, the complement: FREM1 is on the minus strand). VCF-style: chr9-14851454-G-C. GRCh37 (hg19) VCF-style: chr9-14851452-G-C.
Other names: c.1009C>G, p.Pro337Ala (NM_001370060.1); c.982C>G, p.Pro328Ala (NM_001370063.1, NM_001370065.1, NM_144966.7); short protein forms P328A, P337A.
Identifiers: ClinVar variation 1314008 (VCV001314008.3), dbSNP rs761361279, ClinGen allele CA4991402.
Genomic context (GRCh38, chr9:14,851,454, plus strand): 5'-GGTGAGTCACATAGCCCTGGAGCGGGGCTTTAGTAATGTTGAACACCAGCAAGGGTTTAG[G>C]GGTCTCATCTTCTTCACAGTCCAGAACTGATGTAGTCAAGGAGGTCAGGATGAACTGATC-3'
Protein context (NP_001366010.1, residues 318-338): SVLDCEEDET[Pro328Ala]KPLLVFNITK

ClinVar aggregate classification (germline): Uncertain significance. Review status: criteria provided, multiple submitters, no conflicts (2 of 4 stars). 2 submissions from 2 submitters: Uncertain significance (2). Last evaluated 2024-01-20.

Conditions:
BNAR syndrome. Also called: Bifid Nose With or Without Anorectal and Renal Anomalies (BNAR) Syndrome. Identifiers: Orphanet 217266, MedGen C2750433, MONDO:0012165, OMIM 608980.
Oculotrichoanal syndrome (MOTA). Also called: Manitoba Oculotrichoanal (MOTA) Syndrome; MARLES SYNDROME. Identifiers: Orphanet 2717, MedGen C1855425, MONDO:0009560, OMIM 248450.
Trigonocephaly 2 (TRIGNO2). Identifiers: Orphanet 3366, MedGen C3280974, MONDO:0013774, OMIM 614485.

Allele frequency attached by ClinVar (database versions not stated): ExAC 0.00003; gnomAD exomes 0.00004.
gnomAD v4.1: 28 of 1,613,950 alleles (0.0017%); highest among the groups gnomAD compares: South Asian, 0.03%; no homozygotes.

Submissions (2):

Fulgent Genetics
Classification: Uncertain significance for Oculotrichoanal syndrome; BNAR syndrome; Trigonocephaly 2. Last evaluated: 2024-01-20. Review status: criteria provided, single submitter. Criteria: ACMG Guidelines, 2015. Collection method: clinical testing. Allele origin: germline.

GeneDx
Classification: Uncertain significance. Last evaluated: 2020-01-21. Review status: criteria provided, single submitter. Criteria: GeneDx Variant Classification Process June 2021. Collection method: clinical testing. Allele origin: germline. Affected: yes.
Comment: In silico analysis, which includes protein predictors and evolutionary conservation, supports a deleterious effect; Has not been previously published as pathogenic or benign to our knowledge